The following is an entry in ClinVar:

ClinVar aggregate classification (germline): Pathogenic/Likely pathogenic. Review status: criteria provided, multiple submitters, no conflicts (2 of 4 stars). 3 submissions from 3 submitters: Pathogenic (2); Likely pathogenic (1). Last evaluated 2026-04-21.

Conditions:
PNPLA6-related disorder. Also called: PNPLA6-related condition; PNPLA6-related disorders.

gnomAD v4.1: 3 of 1,546,050 alleles (0.00019%); highest among the groups gnomAD compares: Non-Finnish European, 0.00026%; no homozygotes.

Submissions (3):

Greenwood Genetic Center Diagnostic Laboratories, Greenwood Genetic Center
Classification: Pathogenic for PNPLA6-related disorder. Last evaluated: 2026-04-21. Review status: criteria provided, single submitter. Criteria: ACMG Guidelines, 2015. Collection method: clinical testing. Allele origin: germline. Affected: yes.
Comment: PVS1, PM2, PM3_Supporting

PreventionGenetics, part of Exact Sciences
Classification: Likely pathogenic for PNPLA6-related condition. Last evaluated: 2026-01-08. Review status: criteria provided, single submitter. Criteria: ACMG Guidelines, 2015. Collection method: clinical testing. Allele origin: germline.
Comment: The PNPLA6 c.2116C>T variant is predicted to result in premature protein termination (p.Gln706*). This variant was observed along with a second variant in PNPLA6 in an individual with blindness due to retinal degeneration (Kmoch et al. 2015. PubMed ID: 25574898). This variant has not been reported in a large population database (gnomAD), indicating this variant is rare. Nonsense variants in PNPLA6 are expected to be pathogenic. This variant is interpreted as likely pathogenic.

GeneDx
Classification: Pathogenic. Last evaluated: 2022-06-02. Review status: criteria provided, single submitter. Criteria: GeneDx Variant Classification Process June 2021. Collection method: clinical testing. Allele origin: germline. Affected: yes.
Comment: Nonsense variant predicted to result in protein truncation or nonsense mediated decay in a gene for which loss of function is a known mechanism of disease; Not observed at significant frequency in large population cohorts (gnomAD); This variant is associated with the following publications: (PMID: 25574898)

NM_001166114.2(PNPLA6):c.2089C>T (p.Gln697Ter)

Gene: PNPLA6 (patatin like domain 6, lysophospholipase; plus strand). Cytogenetic location: 19p13.2.
Variant type: single nucleotide variant.
Coding change: c.2089C>T on transcript NM_001166114.2 (MANE Select); coding-DNA position 2089, C replaced by T.
Protein change: p.Gln697Ter; replaces glutamine 697 with a stop codon.
Molecular consequence: nonsense.
Genome position (GRCh38, 1-based): chr19:7,551,012, C>T. VCF-style: chr19-7551012-C-T. GRCh37 (hg19) VCF-style: chr19-7615898-C-T.
Other names: c.2116C>T (NM_001166111.1); c.2116C>T, p.Gln706Ter (NM_001166111.2); c.1894C>T, p.Gln632Ter (NM_001166112.2); c.1972C>T, p.Gln658Ter (NM_001166113.1, NM_006702.5); short protein forms Q632*, Q658*, Q697*, Q706*.
Identifiers: ClinVar variation 1801949 (VCV001801949.3), dbSNP rs1555748498, ClinGen allele CA403124241.
Genomic context (GRCh38, chr19:7,551,012, plus strand): 5'-TTCCCCACCCAAGCAGCCCCAATCATGCACGCGGCCCCCCAGGTGGAGGCACTGACCCGG[C>T]AGCCGCGAGCCACGACGGTGCACGCGGTGCGCGACACGGAGCTGGCCAAGCTTCCCGAGG-3'